The following is an entry in ClinVar:

ClinVar aggregate classification (germline): Likely pathogenic (1 of 4 stars; one submission).

Conditions:
Intellectual developmental disorder with microcephaly and with or without ocular malformations or hypogonadotropic hypogonadism. Also called: Intellectual disability, autosomal dominant 27; Coffin-Siris Syndrome 9. Identifiers: Orphanet 1465, MedGen C4014528, MONDO:0014376, OMIM 615866.

Submission:

Institute of Human Genetics, University of Leipzig Medical Center
Classification: Likely pathogenic for Intellectual developmental disorder with microcephaly and with or without ocular malformations or hypogonadotropic hypogonadism. Last evaluated: 2022-01-03. Review status: criteria provided, single submitter. Criteria: ACMG Guidelines, 2015. Collection method: clinical testing. Allele origin: de novo. Affected: yes.
Comment: This variant was identified as de novo (maternity and paternity confirmed)._x000D_ Criteria applied: PVS1_STR, PS2_SUP, PM2_SUP

NM_003108.4(SOX11):c.650_651insGA (p.Lys218fs)

Gene: SOX11 (SRY-box transcription factor 11; plus strand). Cytogenetic location: 2p25.2.
Variant type: Insertion.
Coding change: c.650_651insGA on transcript NM_003108.4 (MANE Select); coding-DNA positions 650 to 651, GA inserted.
Protein change: p.Lys218fs; shifts the reading frame from lysine 218.
Molecular consequence: frameshift variant.
Genome position: GRCh38 VCF-style: chr2-5693371-T-TGA. GRCh37 (hg19) VCF-style: chr2-5833503-T-TGA.
Other names: short protein forms K218fs.
Identifiers: ClinVar variation 1338785 (VCV001338785.1), dbSNP rs2103276750, ClinGen allele CA2573051996.